The following is an entry in ClinVar:

NM_002439.5(MSH3):c.307A>C (p.Lys103Gln)

Gene: MSH3 (mutS homolog 3; plus strand). Cytogenetic location: 5q14.1.
Variant type: single nucleotide variant.
Coding change: c.307A>C on transcript NM_002439.5 (MANE Select); coding-DNA position 307, A replaced by C.
Protein change: p.Lys103Gln; replaces lysine 103 with glutamine.
Molecular consequence: missense variant.
Genome position (GRCh38, 1-based): chr5:80,656,480, A>C. VCF-style: chr5-80656480-A-C. GRCh37 (hg19) VCF-style: chr5-79952299-A-C.
Other names: c.307A>C (NM_002439.4); short protein forms K103Q.
Identifiers: ClinVar variation 1727343 (VCV001727343.8), dbSNP rs759128700, ClinGen allele CA360266354.

ClinVar aggregate classification (germline): Uncertain significance. Review status: criteria provided, multiple submitters, no conflicts (2 of 4 stars). 5 submissions from 5 submitters: Uncertain significance (5). Last evaluated 2024-10-29.

Conditions:
Hereditary cancer-predisposing syndrome. Also called: Tumor predisposition; Neoplastic Syndromes, Hereditary; Hereditary Cancer Syndrome; Hereditary neoplastic syndrome. Identifiers: Orphanet 140162, MedGen C0027672, MeSH D009386, MONDO:0015356.
Endometrial carcinoma. Also called: Endometrial carcinoma, somatic. Identifiers: MedGen C0476089, MONDO:0002447, OMIM 608089, HP:0012114.

gnomAD v4.1: 1 of 1,614,224 alleles (0.000062%); highest among the groups gnomAD compares: African/African-American, 0.0013%; no homozygotes.

Submissions (5):

Labcorp Genetics (formerly Invitae), Labcorp
Classification: Uncertain significance. Last evaluated: 2024-10-29. Review status: criteria provided, single submitter. Criteria: Invitae Variant Classification Sherloc (09022015). Collection method: clinical testing. Allele origin: germline.
Comment: This sequence change replaces lysine, which is basic and polar, with glutamine, which is neutral and polar, at codon 103 of the MSH3 protein (p.Lys103Gln). This variant is not present in population databases (gnomAD no frequency). This variant has not been reported in the literature in individuals affected with MSH3-related conditions. ClinVar contains an entry for this variant (Variation ID: 1727343). An algorithm developed to predict the effect of missense changes on protein structure and function outputs the following: PolyPhen-2: "Benign". The glutamine amino acid residue is found in multiple mammalian species, which suggests that this missense change does not adversely affect protein function. In summary, the available evidence is currently insufficient to determine the role of this variant in disease. Therefore, it has been classified as a Variant of Uncertain Significance.

GeneDx
Classification: Uncertain significance. Last evaluated: 2024-07-29. Review status: criteria provided, single submitter. Criteria: GeneDx Variant Classification Process June 2021. Collection method: clinical testing. Allele origin: germline. Affected: yes.
Comment: Not observed at significant frequency in large population cohorts (gnomAD); In silico analysis indicates that this missense variant does not alter protein structure/function; Has not been previously published as pathogenic or benign to our knowledge

Quest Diagnostics Nichols Institute San Juan Capistrano
Classification: Uncertain significance. Last evaluated: 2024-02-20. Review status: criteria provided, single submitter. Criteria: Quest Diagnostics criteria. Collection method: clinical testing. Allele origin: unknown.
Comment: The MSH3 c.307A>C (p.Lys103Gln) variant has not been reported in individuals with MSH3-related conditions in the published literature. It also has not been reported in large, multi-ethnic general populations (Genome Aggregation Database). Analysis of this variant using bioinformatics tools for the prediction of the effect of amino acid changes on protein structure and function yielded predictions that this variant is benign. Based on the available information, we are unable to determine the clinical significance of this variant.

Ambry Genetics
Classification: Uncertain significance for Hereditary cancer-predisposing syndrome. Last evaluated: 2023-07-31. Review status: criteria provided, single submitter. Criteria: Ambry Variant Classification Scheme 2023. Collection method: clinical testing. Allele origin: germline.
Comment: The p.K103Q variant (also known as c.307A>C), located in coding exon 2 of the MSH3 gene, results from an A to C substitution at nucleotide position 307. The lysine at codon 103 is replaced by glutamine, an amino acid with similar properties. This amino acid position is not well conserved in available vertebrate species. In addition, this alteration is predicted to be tolerated by in silico analysis. Since supporting evidence is limited at this time, the clinical significance of this alteration remains unclear.

Baylor Genetics
Classification: Uncertain significance for Endometrial carcinoma. Last evaluated: 2023-07-11. Review status: criteria provided, single submitter. Criteria: ACMG Guidelines, 2015. Collection method: clinical testing. Allele origin: unknown.